The following is an entry in ClinVar:

NM_033380.3(COL4A5):c.3632G>A (p.Gly1211Glu)

Gene: COL4A5 (collagen type IV alpha 5 chain; plus strand). Cytogenetic location: Xq22.3.
Variant type: single nucleotide variant.
Coding change: c.3632G>A on transcript NM_033380.3 (MANE Select); coding-DNA position 3632, G replaced by A.
Protein change: p.Gly1211Glu; replaces glycine 1211 with glutamic acid.
Molecular consequence: missense variant.
Genome position (GRCh38, 1-based): chrX:108,668,346, G>A. VCF-style: chrX-108668346-G-A. GRCh37 (hg19) VCF-style: chrX-107911576-G-A.
Other names: c.3632G>A, p.Gly1211Glu (NM_000495.5); short protein forms G1211E.
Identifiers: ClinVar variation 24662 (VCV000024662.6), dbSNP rs104886247, ClinGen allele CA258914.

ClinVar aggregate classification (germline): Likely pathogenic. Review status: criteria provided, single submitter (1 of 4 stars). 2 submissions from 2 submitters: Likely pathogenic (1). 1 of the submissions does not count toward it. Last evaluated 2024-06-13.

Conditions:
Alport syndrome. Also called: Hemorrhagic familial nephritis; Hemorrhagic hereditary nephritis; Congenital hereditary hematuria. Identifiers: Orphanet 63, MedGen C1567741, MONDO:0018965.
X-linked Alport syndrome (ATS1). Also called: COL4A5-Related Nephropathy; NEPHROPATHY AND DEAFNESS, X-LINKED. Identifiers: Orphanet 63, Orphanet 88917, MedGen C4746986, MONDO:0010520, OMIM 301050.

Allele frequency attached by ClinVar (database versions not stated): gnomAD exomes below 0.00001.
gnomAD v4.1: 1 of 1,210,962 alleles (0.000083%); highest among the groups gnomAD compares: Non-Finnish European, 0.00011%; no homozygotes.

Submissions (2):

3billion
Classification: Likely pathogenic for X-linked Alport syndrome. Last evaluated: 2024-06-13. Review status: criteria provided, single submitter. Criteria: ACMG Guidelines, 2015. Collection method: clinical testing. Allele origin: germline. Affected: yes.
Comment: The variant is observed at an extremely low frequency in the gnomAD v4.0.0 dataset (total allele frequency: <0.001%). Predicted Consequence/Location: The variant is located in a mutational hot spot and/or well-established functional domain in which established pathogenic variants have been reported. In silico tool predictions suggest damaging effect of the variant on gene or gene product [REVEL: 0.99 (>=0.6, sensitivity 0.68 and specificity 0.92); 3Cnet: 0.96 (>=0.6, sensitivity 0.72 and precision 0.9)]. The same nucleotide change resulting in the same amino acid change has been previously reported to be associated with COL4A5 related disorder (ClinVar ID: VCV000024662 /PMID: 8940267).A different missense change at the same codon (p.Gly1211Arg) has been reported to be associated with COL4A5 related disorder (PMID: 10094548, 36239278). Therefore, this variant is classified as Likely pathogenic according to the recommendation of ACMG/AMP guideline.

Sydney Genome Diagnostics, Children's Hospital Westmead
Classification: Pathogenic for Alport syndrome. Last evaluated: 2014-11-09. Review status: no assertion criteria provided. Collection method: clinical testing. Allele origin: unknown. Affected: yes. Observed: 1 variant allele, 1 heterozygote. Not counted in ClinVar's aggregate classification.
Comment: This variant has been previously reported as part of a complex allele, in a patient with Alport syndrome (Knebelmann et al., 1996, Am. J. Hum. Genet. 59:1221-1232 - PMID 1914854). In silico analysis (Alamut Visual v2.6) using PolyPhen2, SIFT and Mutation Taster all predict this variant to be likely pathogenic, however, Align GVGD predicts this variant to be benign. This variant lies in the collagen triple helix repeat domain and mutations involving glycine residues have been implicated in Alport's syndrome.

Literature cited by the submitters: PubMed 8940267 (cited by 3billion); PubMed 10094548 (cited by 3billion).